The following is an entry in ClinVar:

NM_000214.3(JAG1):c.1177G>C (p.Val393Leu)

Gene: JAG1 (jagged canonical Notch ligand 1; minus strand). Cytogenetic location: 20p12.2.
Variant type: single nucleotide variant.
Coding change: c.1177G>C on transcript NM_000214.3 (MANE Select); coding-DNA position 1177, G replaced by C.
Protein change: p.Val393Leu; replaces valine 393 with leucine.
Molecular consequence: missense variant.
Genome position (GRCh38, 1-based): chr20:10,650,304, C>G on the plus strand (G>C on the coding strand, the complement: JAG1 is on the minus strand). VCF-style: chr20-10650304-C-G. GRCh37 (hg19) VCF-style: chr20-10630952-C-G.
Other names: short protein forms V393L.
Identifiers: ClinVar variation 2956125 (VCV002956125.3), dbSNP rs1330216708, ClinGen allele CA408238489.

ClinVar aggregate classification (germline): Uncertain significance (1 of 4 stars; one submission).

Conditions:
Alagille syndrome due to a JAG1 point mutation. Also called: HEPATIC DUCTULAR HYPOPLASIA, SYNDROMATIC; JAG1-Related Alagille Syndrome; Alagille Syndrome 1. Identifiers: Orphanet 261619, Orphanet 52, MedGen C1956125, MONDO:0016862, OMIM 118450.

gnomAD v4.1: 2 of 1,614,142 alleles (0.00012%); highest among the groups gnomAD compares: East Asian, 0.0045%; no homozygotes.

Submission:

Labcorp Genetics (formerly Invitae), Labcorp
Classification: Uncertain significance for Alagille syndrome due to a JAG1 point mutation. Last evaluated: 2023-01-15. Review status: criteria provided, single submitter. Criteria: Invitae Variant Classification Sherloc (09022015). Collection method: clinical testing. Allele origin: germline.
Comment: This variant has not been reported in the literature in individuals affected with JAG1-related conditions. This variant is not present in population databases (gnomAD no frequency). This sequence change replaces valine, which is neutral and non-polar, with leucine, which is neutral and non-polar, at codon 393 of the JAG1 protein (p.Val393Leu). Advanced modeling of protein sequence and biophysical properties (such as structural, functional, and spatial information, amino acid conservation, physicochemical variation, residue mobility, and thermodynamic stability) performed at Invitae indicates that this missense variant is not expected to disrupt JAG1 protein function. In summary, the available evidence is currently insufficient to determine the role of this variant in disease. Therefore, it has been classified as a Variant of Uncertain Significance.